The following is an entry in ClinVar:

ClinVar aggregate classification (germline): Uncertain significance (1 of 4 stars; one submission).

Conditions:
Neuronal ceroid lipofuscinosis. Also called: Neuronal Ceroid Lipofuscinoses. Identifiers: Orphanet 216, Orphanet 79263, MedGen C0027877, MONDO:0016295. Disease mechanism: loss of function.

gnomAD v4.1: 9 of 1,613,912 alleles (0.00056%); highest among the groups gnomAD compares: Admixed American, 0.0033%; no homozygotes.

Submission:

Labcorp Genetics (formerly Invitae), Labcorp
Classification: Uncertain significance for Neuronal ceroid lipofuscinosis. Last evaluated: 2022-01-04. Review status: criteria provided, single submitter. Criteria: Invitae Variant Classification Sherloc (09022015). Collection method: clinical testing. Allele origin: germline.
Comment: This sequence change replaces arginine, which is basic and polar, with leucine, which is neutral and non-polar, at codon 145 of the CLN5 protein (p.Arg145Leu). This variant is present in population databases (rs201068201, gnomAD 0.006%). This variant has not been reported in the literature in individuals affected with CLN5-related conditions. Algorithms developed to predict the effect of missense changes on protein structure and function are either unavailable or do not agree on the potential impact of this missense change (SIFT: "Deleterious"; PolyPhen-2: "Benign"; Align-GVGD: "Class C65"). In summary, the available evidence is currently insufficient to determine the role of this variant in disease. Therefore, it has been classified as a Variant of Uncertain Significance.

NM_006493.4(CLN5):c.287G>T (p.Arg96Leu)

Gene: CLN5 (CLN5 lysosomal BMP synthase; plus strand). Cytogenetic location: 13q22.3.
Variant type: single nucleotide variant.
Coding change: c.287G>T on transcript NM_006493.4 (MANE Select); coding-DNA position 287, G replaced by T.
Protein change: p.Arg96Leu; replaces arginine 96 with leucine.
Molecular consequence: missense variant.
Genome position (GRCh38, 1-based): chr13:76,995,176, G>T. VCF-style: chr13-76995176-G-T. GRCh37 (hg19) VCF-style: chr13-77569311-G-T.
Other names: c.287G>T, p.Arg96Leu (NM_001366624.2); short protein forms R145L, R96L.
Identifiers: ClinVar variation 2083078 (VCV002083078.1), dbSNP rs201068201, ClinGen allele CA7007175.